The following is an entry in ClinVar:

ClinVar aggregate classification (germline): Uncertain significance. Review status: criteria provided, multiple submitters, no conflicts (2 of 4 stars). 3 submissions from 3 submitters: Uncertain significance (3). Last evaluated 2025-12-30.

Conditions:
Familial thoracic aortic aneurysm and aortic dissection (TAAD). Also called: Thoracic aortic aneurysms and dissections. Identifiers: Orphanet 91387, MedGen C4707243, MONDO:0019625.
Aortic aneurysm, familial thoracic 4 (AAT4). Also called: AORTIC ANEURYSM/AORTIC DISSECTION AND PATENT DUCTUS ARTERIOSUS. Identifiers: MedGen C1851504, MONDO:0007568, OMIM 132900.

Allele frequency attached by ClinVar (database versions not stated): TOPMed 0.00001; gnomAD 0.00001.
gnomAD v4.1: 17 of 1,614,006 alleles (0.0011%); highest among the groups gnomAD compares: Non-Finnish European, 0.0014%; no homozygotes.

Submissions (3):

Labcorp Genetics (formerly Invitae), Labcorp
Classification: Uncertain significance for Aortic aneurysm, familial thoracic 4. Last evaluated: 2025-12-30. Review status: criteria provided, single submitter. Criteria: Invitae Variant Classification Sherloc (09022015). Collection method: clinical testing. Allele origin: germline.
Comment: This sequence change replaces valine, which is neutral and non-polar, with leucine, which is neutral and non-polar, at codon 1341 of the MYH11 protein (p.Val1341Leu). This variant is present in population databases (no rsID available, gnomAD 0.0009%). This missense change has been observed in individual(s) with thoracic aortic aneurysm (internal data). ClinVar contains an entry for this variant (Variation ID: 263992). Invitae Evidence Modeling of protein sequence and biophysical properties (such as structural, functional, and spatial information, amino acid conservation, physicochemical variation, residue mobility, and thermodynamic stability) indicates that this missense variant is not expected to disrupt MYH11 protein function with a negative predictive value of 95%. In summary, the available evidence is currently insufficient to determine the role of this variant in disease. Therefore, it has been classified as a Variant of Uncertain Significance.

Color Diagnostics, LLC DBA Color Health
Classification: Uncertain significance for Familial thoracic aortic aneurysm and aortic dissection. Last evaluated: 2025-06-03. Review status: criteria provided, single submitter. Criteria: ACMG Guidelines, 2015. Collection method: clinical testing. Allele origin: germline.
Comment: This missense variant replaces valine with leucine at codon 1341 of the MYH11 protein. Computational prediction suggests that this variant may not impact protein structure and function. To our knowledge, functional studies have not been reported for this variant. This variant has not been reported in individuals affected with MYH11-related disorders in the literature. This variant has been identified in 1/251178 chromosomes in the general population by the Genome Aggregation Database (gnomAD). The available evidence is insufficient to determine the role of this variant in disease conclusively. Therefore, this variant is classified as a Variant of Uncertain Significance.

Ambry Genetics
Classification: Uncertain significance for Familial thoracic aortic aneurysm and aortic dissection. Last evaluated: 2023-05-16. Review status: criteria provided, single submitter. Criteria: Ambry Variant Classification Scheme 2023. Collection method: clinical testing. Allele origin: germline.
Comment: The p.V1334L variant (also known as c.4000G>C), located in coding exon 29 of the MYH11 gene, results from a G to C substitution at nucleotide position 4000. The valine at codon 1334 is replaced by leucine, an amino acid with highly similar properties. This amino acid position is well conserved in available vertebrate species; however, leucine is the reference amino acid in other vertebrate species. In addition, this alteration is predicted to be tolerated by in silico analysis. Since supporting evidence is limited at this time, the clinical significance of this alteration remains unclear.

NM_002474.3(MYH11):c.4000G>C (p.Val1334Leu)

Genes: MYH11 (myosin heavy chain 11; minus strand), NDE1 (nudE neurodevelopment protein 1; plus strand). Cytogenetic location: 16p13.11.
Variant type: single nucleotide variant.
Coding change: c.4000G>C on transcript NM_002474.3 (MANE Select); coding-DNA position 4000, G replaced by C.
Protein change: p.Val1334Leu; replaces valine 1334 with leucine.
Molecular consequence: missense variant. On other transcripts: 3 prime UTR variant (2).
Genome position (GRCh38, 1-based): chr16:15,724,763, C>G on the plus strand (G>C on the coding strand, the complement: MYH11 is on the minus strand). VCF-style: chr16-15724763-C-G. GRCh37 (hg19) VCF-style: chr16-15818620-C-G.
Other names: c.4021G>C, p.Val1341Leu (NM_001040113.2, NM_001040114.2); c.4000G>C, p.Val1334Leu (NM_022844.3); c.*512C>G (NM_001143979.2, NM_017668.3); short protein forms V1334L, V1341L.
Identifiers: ClinVar variation 263992 (VCV000263992.15), dbSNP rs139377348, ClinGen allele CA10587887.